The following is an entry in ClinVar:

NM_000355.4(TCN2):c.562C>T (p.Gln188Ter)

Gene: TCN2 (transcobalamin 2; plus strand). Cytogenetic location: 22q12.2.
Variant type: single nucleotide variant.
Coding change: c.562C>T on transcript NM_000355.4 (MANE Select); coding-DNA position 562, C replaced by T.
Protein change: p.Gln188Ter; replaces glutamine 188 with a stop codon.
Molecular consequence: nonsense.
Genome position (GRCh38, 1-based): chr22:30,614,483, C>T. VCF-style: chr22-30614483-C-T. GRCh37 (hg19) VCF-style: chr22-31010470-C-T.
Other names: c.481C>T, p.Gln161Ter (NM_001184726.2); short protein forms Q188*, Q161*.
Identifiers: ClinVar variation 440326 (VCV000440326.17), dbSNP rs1456983114, ClinGen allele CA411211030.

ClinVar aggregate classification (germline): Pathogenic/Likely pathogenic. Review status: criteria provided, multiple submitters, no conflicts (2 of 4 stars). 3 submissions from 3 submitters: Pathogenic (2); Likely pathogenic (1). Last evaluated 2025-12-29.

Conditions:
Inborn genetic diseases. Identifiers: MedGen C0950123, MeSH D030342.
Transcobalamin II deficiency (TCN2D). Also called: Transcolabamin II deficiency; TC II DEFICIENCY; TCN2 DEFICIENCY. Identifiers: Orphanet 859, MedGen C0342701, MONDO:0010149, OMIM 275350.

Allele frequency attached by ClinVar (database versions not stated): gnomAD exomes below 0.00001.
gnomAD v4.1: 16 of 1,614,168 alleles (0.00099%); highest among the groups gnomAD compares: Non-Finnish European, 0.0014%; no homozygotes.

Submissions (3):

Labcorp Genetics (formerly Invitae), Labcorp
Classification: Pathogenic for Transcobalamin II deficiency. Last evaluated: 2025-12-29. Review status: criteria provided, single submitter. Criteria: Invitae Variant Classification Sherloc (09022015). Collection method: clinical testing. Allele origin: germline.
Comment: This sequence change creates a premature translational stop signal (p.Gln188*) in the TCN2 gene. It is expected to result in an absent or disrupted protein product. Loss-of-function variants in TCN2 are known to be pathogenic (PMID: 7980584, 20352340). This variant is present in population databases (no rsID available, gnomAD 0.0009%). This variant has not been reported in the literature in individuals affected with TCN2-related conditions. ClinVar contains an entry for this variant (Variation ID: 440326). For these reasons, this variant has been classified as Pathogenic.

ARUP Laboratories, Molecular Genetics and Genomics, ARUP Laboratories
Classification: Likely pathogenic. Last evaluated: 2017-05-23. Review status: criteria provided, single submitter. Criteria: ARUP Molecular Germline Variant Investigation Process. Collection method: clinical testing. Allele origin: germline.
Comment: The p.Gln188Ter variant has not been reported in the medical literature, gene specific variation databases, nor has it been previously identified by our laboratory. The c.562C>T variant creates a termination codon in the TCN2 protein at codon 188 in exon 4 which is predicted to result in a truncated or absent protein product. This variant is listed in the genome Aggregation Database with an overall population frequency of 0.0004 percent (identified on 1 out of 246,168 chromosomes). Based on these observations, the p.Gln188Ter variant has been classified as pathogenic.

Ambry Genetics
Classification: Pathogenic for Inborn genetic diseases. Last evaluated: 2015-02-04. Review status: criteria provided, single submitter. Criteria: Ambry exome assertion method (8-5-2015). Collection method: clinical testing. Allele origin: germline. Affected: yes. Observed: 1 variant allele.

Literature cited by the submitters: PubMed 7980584 (cited by Labcorp Genetics (formerly Invitae), Labcorp); PubMed 20352340 (cited by Labcorp Genetics (formerly Invitae), Labcorp).